The following is an entry in ClinVar:

ClinVar aggregate classification (germline): Uncertain significance (1 of 4 stars; one submission).

Allele frequency attached by ClinVar (database versions not stated): ExAC 0.00001; gnomAD 0.00001; gnomAD exomes 0.00001; TOPMed 0.00002.
gnomAD v4.1: 17 of 1,608,154 alleles (0.0011%); highest among the groups gnomAD compares: Admixed American, 0.01%; no homozygotes.

Submission:

Labcorp Genetics (formerly Invitae), Labcorp
Classification: Uncertain significance. Last evaluated: 2024-10-04. Review status: criteria provided, single submitter. Criteria: Invitae Variant Classification Sherloc (09022015). Collection method: clinical testing. Allele origin: germline.
Comment: This sequence change replaces glutamic acid, which is acidic and polar, with alanine, which is neutral and non-polar, at codon 65 of the PIGU protein (p.Glu65Ala). This variant is present in population databases (rs769343462, gnomAD 0.01%). This variant has not been reported in the literature in individuals affected with PIGU-related conditions. ClinVar contains an entry for this variant (Variation ID: 1938358). An algorithm developed to predict the effect of missense changes on protein structure and function (PolyPhen-2) suggests that this variant is likely to be disruptive. In summary, the available evidence is currently insufficient to determine the role of this variant in disease. Therefore, it has been classified as a Variant of Uncertain Significance.

NM_080476.5(PIGU):c.194A>C (p.Glu65Ala)

Gene: PIGU (phosphatidylinositol glycan anchor biosynthesis class U; minus strand). Cytogenetic location: 20q11.22.
Variant type: single nucleotide variant.
Coding change: c.194A>C on transcript NM_080476.5 (MANE Select); coding-DNA position 194, A replaced by C.
Protein change: p.Glu65Ala; replaces glutamic acid 65 with alanine.
Molecular consequence: missense variant.
Genome position (GRCh38, 1-based): chr20:34,657,181, T>G on the plus strand (A>C on the coding strand, the complement: PIGU is on the minus strand). VCF-style: chr20-34657181-T-G. GRCh37 (hg19) VCF-style: chr20-33244985-T-G.
Other names: short protein forms E65A.
Identifiers: ClinVar variation 1938358 (VCV001938358.4), dbSNP rs769343462, ClinGen allele CA9822754.